The following is an entry in ClinVar:

NM_001130082.3(PLXNB1):c.5376G>C (p.Val1792=)

Gene: PLXNB1 (plexin B1; minus strand). Cytogenetic location: 3p21.31.
Variant type: single nucleotide variant.
Coding change: c.5376G>C on transcript NM_001130082.3 (MANE Select); coding-DNA position 5376, G replaced by C.
Protein change: p.Val1792=; no amino-acid change (valine 1792 retained).
Molecular consequence: synonymous variant.
Genome position (GRCh38, 1-based): chr3:48,410,908, C>G on the plus strand (G>C on the coding strand, the complement: PLXNB1 is on the minus strand). VCF-style: chr3-48410908-C-G. GRCh37 (hg19) VCF-style: chr3-48452317-C-G.
Other names: c.5376G>C, p.Val1792= (NM_002673.6).
Identifiers: ClinVar variation 3034659 (VCV003034659.2), dbSNP rs35741089, ClinGen allele CA2373964.

ClinVar aggregate classification (germline): Benign (0 of 4 stars; one submission).

Conditions:
PLXNB1-related disorder. Also called: PLXNB1-related condition.

Allele frequency attached by ClinVar (database versions not stated): gnomAD exomes 0.00051; ExAC 0.00225; gnomAD 0.00573; ESP Exome Variant Server 0.00577; TOPMed 0.00631; 1000 Genomes Project 0.00998; 1000 Genomes Project 30x 0.01046.
gnomAD v4.1: 1,661 of 1,613,340 alleles (0.1%); highest among the groups gnomAD compares: African/African-American, 2%; 17 homozygotes.

Submission:

PreventionGenetics, part of Exact Sciences
Classification: Benign for PLXNB1-related condition. Last evaluated: 2019-07-31. Review status: no assertion criteria provided. Collection method: clinical testing. Allele origin: germline.
Comment: This variant is classified as benign based on ACMG/AMP sequence variant interpretation guidelines (Richards et al. 2015 PMID: 25741868, with internal and published modifications).